The following is an entry in ClinVar:

ClinVar aggregate classification (germline): Likely benign (1 of 4 stars; one submission).

Conditions:
Tuberous sclerosis 2 (TSC2). Identifiers: Orphanet 805, MedGen C1860707, MONDO:0013199, OMIM 613254.

Submission:

Myriad Genetics, Inc.
Classification: Likely benign for Tuberous sclerosis 2. Last evaluated: 2025-05-02. Review status: criteria provided, single submitter. Criteria: Myriad Autosomal Dominant, Autosomal Recessive and X-Linked Classification Criteria (2023). Collection method: clinical testing. Allele origin: unknown.
Comment: This variant is considered likely benign. This variant is intronic and is not expected to impact mRNA splicing.

NM_000548.5(TSC2):c.337-8G>A

Gene: TSC2 (TSC complex subunit 2; plus strand). Cytogenetic location: 16p13.3.
Variant type: single nucleotide variant.
Coding change: c.337-8G>A on transcript NM_000548.5 (MANE Select); 8 bases into the intron before coding-DNA position 337, G replaced by A.
Molecular consequence: intron variant.
Genome position (GRCh38, 1-based): chr16:2,054,288, G>A. VCF-style: chr16-2054288-G-A. GRCh37 (hg19) VCF-style: chr16-2104289-G-A.
Other names: c.-1311-8G>A (NM_001406693.1); c.427-8G>A (NM_001406667.1, NM_001406668.1); c.-480-8G>A (NM_001406680.1, NM_001406683.1, NM_001406687.1); c.-1095-8G>A (NM_001406689.1, NM_001406690.1, NM_001406692.1 and 2 more transcripts); c.-1271-8G>A (NM_001406698.1); c.337-8G>A (NM_001114382.3, NM_001406663.1, NM_001406664.1 and 8 more transcripts); c.-976-8G>A (NM_001406694.1, NM_001406695.1); c.-1083-8G>A (NM_001406696.1); and 6 more.
Identifiers: ClinVar variation 4071047 (VCV004071047.1).